The following is an entry in ClinVar:

NC_000016.9:g.(?_15758636)_(17564653_?)del

Genes: ABCC1 (ATP binding cassette subfamily C member 1 (ABCC1 blood group); plus strand), ABCC6 (ATP binding cassette subfamily C member 6; minus strand), CEP20 (centrosomal protein 20; minus strand), MYH11 (myosin heavy chain 11; minus strand), NDE1 (nudE neurodevelopment protein 1; plus strand) and 2 more. Cytogenetic location: 16p13.11-12.3.
Variant type: Deletion.
Identifiers: ClinVar variation 2426738 (VCV002426738.4).

ClinVar aggregate classification (germline): Pathogenic (1 of 4 stars; one submission).

Conditions:
Desbuquois dysplasia 1 (DBQD1). Also called: DESBUQUOIS DYSPLASIA 1, KIM VARIANT; MICROMELIC DWARFISM WITH VERTEBRAL AND METAPHYSEAL ABNORMALITIES AND ADVANCED CARPOTARSAL OSSIFICATION. Identifiers: Orphanet 1425, MedGen C4012146, MONDO:0009629, OMIM 251450.

Submission:

Labcorp Genetics (formerly Invitae), Labcorp
Classification: Pathogenic for Desbuquois dysplasia 1. Last evaluated: 2022-04-25. Review status: criteria provided, single submitter. Criteria: Invitae Variant Classification Sherloc (09022015). Collection method: clinical testing. Allele origin: germline.
Comment: A gross deletion of the genomic region encompassing the full coding sequence of the XYLT1 gene has been identified. Loss-of-function variants in XYLT1 are known to be pathogenic (PMID: 24581741, 26601923). The boundaries of this event are unknown as they extend beyond the assayed region for this gene and therefore may encompass additional genes. Isolated whole-gene deletions of XYLT1 have not been reported in the literature. However, larger copy number events that include this gene have been reported (PMID: 26601923, 30554721). For these reasons, this variant has been classified as Pathogenic.

Literature cited by the submitters: PubMed 24581741; PubMed 26601923; PubMed 30554721.